The following is an entry in ClinVar:

ClinVar aggregate classification (germline): Uncertain significance (1 of 4 stars; one submission).

Conditions:
Cystic fibrosis (CF). Also called: MUCOVISCIDOSIS. Identifiers: Orphanet 586, MedGen C0010674, MONDO:0009061, OMIM 219700. Disease mechanism: loss of function.

Submission:

Ambry Genetics
Classification: Uncertain significance for Cystic fibrosis. Last evaluated: 2021-12-10. Review status: criteria provided, single submitter. Criteria: Ambry Variant Classification Scheme 2023. Collection method: clinical testing. Allele origin: germline.
Comment: The p.L387F variant (also known as c.1161A>C), located in coding exon 9 of the CFTR gene, results from an A to C substitution at nucleotide position 1161. The leucine at codon 387 is replaced by phenylalanine, an amino acid with highly similar properties. This amino acid position is conserved. In addition, this alteration is predicted to be deleterious by in silico analysis. Since supporting evidence is limited at this time, the clinical significance of this alteration remains unclear.

NM_000492.4(CFTR):c.1161A>C (p.Leu387Phe)

Gene: CFTR (CF transmembrane conductance regulator; plus strand). Cytogenetic location: 7q31.2.
Variant type: single nucleotide variant.
Coding change: c.1161A>C on transcript NM_000492.4 (MANE Select); coding-DNA position 1161, A replaced by C.
Protein change: p.Leu387Phe; replaces leucine 387 with phenylalanine.
Molecular consequence: missense variant.
Genome position (GRCh38, 1-based): chr7:117,542,060, A>C. VCF-style: chr7-117542060-A-C. GRCh37 (hg19) VCF-style: chr7-117182114-A-C.
Other names: short protein forms L387F.
Identifiers: ClinVar variation 1736764 (VCV001736764.2), dbSNP rs1799062301, ClinGen allele CA368980058.